The following is an entry in ClinVar:

ClinVar aggregate classification (germline): Uncertain significance (1 of 4 stars; one submission).

gnomAD v4.1: 3 of 1,613,936 alleles (0.00019%); highest among the groups gnomAD compares: East Asian, 0.0022%; 1 homozygote.

Submission:

Labcorp Genetics (formerly Invitae), Labcorp
Classification: Uncertain significance. Last evaluated: 2024-05-02. Review status: criteria provided, single submitter. Criteria: Invitae Variant Classification Sherloc (09022015). Collection method: clinical testing. Allele origin: germline.
Comment: This sequence change replaces arginine, which is basic and polar, with glycine, which is neutral and non-polar, at codon 1376 of the FLNB protein (p.Arg1376Gly). This variant is present in population databases (no rsID available, gnomAD 0.006%). This variant has not been reported in the literature in individuals affected with FLNB-related conditions. Advanced modeling of protein sequence and biophysical properties (such as structural, functional, and spatial information, amino acid conservation, physicochemical variation, residue mobility, and thermodynamic stability) performed at Invitae indicates that this missense variant is not expected to disrupt FLNB protein function with a negative predictive value of 95%. In summary, the available evidence is currently insufficient to determine the role of this variant in disease. Therefore, it has been classified as a Variant of Uncertain Significance.

NM_001457.4(FLNB):c.4126A>G (p.Arg1376Gly)

Gene: FLNB (filamin B; plus strand). Cytogenetic location: 3p14.3.
Variant type: single nucleotide variant.
Coding change: c.4126A>G on transcript NM_001457.4 (MANE Select); coding-DNA position 4126, A replaced by G.
Protein change: p.Arg1376Gly; replaces arginine 1376 with glycine.
Molecular consequence: missense variant.
Genome position (GRCh38, 1-based): chr3:58,126,666, A>G. VCF-style: chr3-58126666-A-G. GRCh37 (hg19) VCF-style: chr3-58112393-A-G.
Other names: c.4126A>G, p.Arg1376Gly (NM_001164317.2, NM_001164318.2, NM_001164319.2); short protein forms R1376G.
Identifiers: ClinVar variation 3635728 (VCV003635728.2).